The following is an entry in ClinVar:

ClinVar aggregate classification (germline): Likely benign. Review status: criteria provided, multiple submitters, no conflicts (2 of 4 stars). 4 submissions from 4 submitters: Likely benign (4). Last evaluated 2026-02-14.

Conditions:
FLNC-related disorder. Also called: FLNC-related condition; FLNC-related disorders.
Cardiovascular phenotype. Identifiers: MedGen CN230736.
Distal myopathy with posterior leg and anterior hand involvement. Also called: WILLIAMS DISTAL MYOPATHY. Identifiers: Orphanet 63273, MedGen C3279722, MONDO:0013550, OMIM 614065.
Hypertrophic cardiomyopathy 26. Also called: Cardiomyopathy, familial hypertrophic, 26. Identifiers: Orphanet 75249, MedGen C4310749, MONDO:0014883, OMIM 617047.
Myofibrillar myopathy 5. Also called: Filaminopathy (type); FILAMINOPATHY, AUTOSOMAL DOMINANT. Identifiers: Orphanet 171445, MedGen C1836050, MONDO:0012289, OMIM 609524.

Allele frequency attached by ClinVar (database versions not stated): ExAC 0.00002; gnomAD exomes 0.00002.
gnomAD v4.1: 41 of 1,609,234 alleles (0.0025%); highest among the groups gnomAD compares: Admixed American, 0.0084%; no homozygotes.

Submissions (4):

PreventionGenetics, part of Exact Sciences
Classification: Likely benign for FLNC-related condition. Last evaluated: 2026-02-14. Review status: criteria provided, single submitter. Criteria: ACMG Guidelines, 2015. Collection method: clinical testing. Allele origin: germline.
Comment: This variant is classified as likely benign based on ACMG/AMP sequence variant interpretation guidelines (Richards et al. 2015 PMID: 25741868, with internal and published modifications).

Labcorp Genetics (formerly Invitae), Labcorp
Classification: Likely benign for Distal myopathy with posterior leg and anterior hand involvement; Myofibrillar myopathy 5; Hypertrophic cardiomyopathy 26. Last evaluated: 2026-01-14. Review status: criteria provided, single submitter. Criteria: Invitae Variant Classification Sherloc (09022015). Collection method: clinical testing. Allele origin: germline.

Ambry Genetics
Classification: Likely benign for Cardiovascular phenotype. Last evaluated: 2023-07-15. Review status: criteria provided, single submitter. Criteria: Ambry Variant Classification Scheme 2023. Collection method: clinical testing. Allele origin: germline.

GeneDx
Classification: Likely benign. Last evaluated: 2019-09-04. Review status: criteria provided, single submitter. Criteria: GeneDx Variant Classification Process June 2021. Collection method: clinical testing. Allele origin: germline. Affected: yes.

NM_001458.5(FLNC):c.6774G>A (p.Ser2258=)

Genes: FLNC (filamin C; plus strand), FLNC-AS1 (FLNC antisense RNA 1; minus strand). Cytogenetic location: 7q32.1.
Variant type: single nucleotide variant.
Coding change: c.6774G>A on transcript NM_001458.5 (MANE Select); coding-DNA position 6774, G replaced by A.
Protein change: p.Ser2258=; no amino-acid change (serine 2258 retained).
Molecular consequence: synonymous variant.
Genome position (GRCh38, 1-based): chr7:128,854,459, G>A. VCF-style: chr7-128854459-G-A. GRCh37 (hg19) VCF-style: chr7-128494513-G-A.
Other names: c.6675G>A, p.Ser2225= (NM_001127487.2).
Identifiers: ClinVar variation 1157454 (VCV001157454.17), dbSNP rs767691386, ClinGen allele CA4476087.
Genomic context (GRCh38, chr7:128,854,459, plus strand): 5'-CCCAAACCCTGCAGGTGAGGCCAGCTCTCAGGACATGACTGCACAGGTGACCAGCCCATC[G>A]GGCAAGGTGGAAGCCGCAGAGATCGTCGAGGGCGAGGACAGCGCCTACAGCGTGCGCTTT-3'
Protein context (NP_001449.3, residues 2248-2268): QDMTAQVTSP[Ser2258=]GKVEAAEIVE